The following is an entry in ClinVar:

NM_018714.3(COG1):c.1288A>G (p.Thr430Ala)

Gene: COG1 (component of oligomeric golgi complex 1; plus strand). Cytogenetic location: 17q25.1.
Variant type: single nucleotide variant.
Coding change: c.1288A>G on transcript NM_018714.3 (MANE Select); coding-DNA position 1288, A replaced by G.
Protein change: p.Thr430Ala; replaces threonine 430 with alanine.
Molecular consequence: missense variant.
Genome position (GRCh38, 1-based): chr17:73,201,115, A>G. VCF-style: chr17-73201115-A-G. GRCh37 (hg19) VCF-style: chr17-71197254-A-G.
Other names: short protein forms T430A.
Identifiers: ClinVar variation 2417312 (VCV002417312.6), dbSNP rs2061345077, ClinGen allele CA400890535.

ClinVar aggregate classification (germline): Uncertain significance (1 of 4 stars; one submission).

Conditions:
COG1 congenital disorder of glycosylation (CDG2G). Also called: CONGENITAL DISORDER OF GLYCOSYLATION, TYPE IIg; CDG IIg; CDGII/COG1 CEREBROCOSTOMANDIBULAR-LIKE SYNDROME. Identifiers: Orphanet 263508, MedGen C2931011, MONDO:0012637, OMIM 611209.

Allele frequency attached by ClinVar (database versions not stated): TOPMed below 0.00001.

Submission:

Labcorp Genetics (formerly Invitae), Labcorp
Classification: Uncertain significance for COG1 congenital disorder of glycosylation. Last evaluated: 2022-09-07. Review status: criteria provided, single submitter. Criteria: Invitae Variant Classification Sherloc (09022015). Collection method: clinical testing. Allele origin: germline.
Comment: Algorithms developed to predict the effect of missense changes on protein structure and function (SIFT, PolyPhen-2, Align-GVGD) all suggest that this variant is likely to be tolerated. This variant has not been reported in the literature in individuals affected with COG1-related conditions. This variant is not present in population databases (gnomAD no frequency). This sequence change replaces threonine, which is neutral and polar, with alanine, which is neutral and non-polar, at codon 430 of the COG1 protein (p.Thr430Ala). In summary, the available evidence is currently insufficient to determine the role of this variant in disease. Therefore, it has been classified as a Variant of Uncertain Significance.